The following is an entry in ClinVar:

NM_002075.4(GNB3):c.89T>A (p.Leu30Gln)

Gene: GNB3 (G protein subunit beta 3; plus strand). Cytogenetic location: 12p13.31.
Variant type: single nucleotide variant.
Coding change: c.89T>A on transcript NM_002075.4 (MANE Select); coding-DNA position 89, T replaced by A.
Protein change: p.Leu30Gln; replaces leucine 30 with glutamine.
Molecular consequence: missense variant.
Genome position (GRCh38, 1-based): chr12:6,841,617, T>A. VCF-style: chr12-6841617-T-A. GRCh37 (hg19) VCF-style: chr12-6950781-T-A.
Other names: c.89T>A, p.Leu30Gln (NM_001297571.2); short protein forms L30Q.
Identifiers: ClinVar variation 2120981 (VCV002120981.4), dbSNP rs1555123391, ClinGen allele CA383671482.

ClinVar aggregate classification (germline): Uncertain significance (1 of 4 stars; one submission).

Allele frequency attached by ClinVar (database versions not stated): gnomAD exomes below 0.00001.
gnomAD v4.1: 2 of 1,613,116 alleles (0.00012%); highest among the groups gnomAD compares: Admixed American, 0.0017%; no homozygotes.

Submission:

Labcorp Genetics (formerly Invitae), Labcorp
Classification: Uncertain significance. Last evaluated: 2022-04-06. Review status: criteria provided, single submitter. Criteria: Invitae Variant Classification Sherloc (09022015). Collection method: clinical testing. Allele origin: germline.
Comment: This sequence change replaces leucine, which is neutral and non-polar, with glutamine, which is neutral and polar, at codon 30 of the GNB3 protein (p.Leu30Gln). This variant is not present in population databases (gnomAD no frequency). This variant has not been reported in the literature in individuals affected with GNB3-related conditions. Algorithms developed to predict the effect of missense changes on protein structure and function are either unavailable or do not agree on the potential impact of this missense change (SIFT: "Deleterious"; PolyPhen-2: "Benign"; Align-GVGD: "Class C0"). In summary, the available evidence is currently insufficient to determine the role of this variant in disease. Therefore, it has been classified as a Variant of Uncertain Significance.